The following is an entry in ClinVar:

ClinVar aggregate classification (germline): Uncertain significance (1 of 4 stars; one submission).

Conditions:
Epidermolysis bullosa simplex with nail dystrophy (EBS5D). Identifiers: MedGen C4225309, MONDO:0014661, OMIM 616487.
Epidermolysis bullosa simplex, Ogna type (EBS5A). Also called: Pidermolysis bullosa simplex 5A, Ogna type; EPIDERMOLYSIS BULLOSA SIMPLEX 5A, OGNA TYPE. Identifiers: Orphanet 79401, MedGen C0432317, MONDO:0007555, OMIM 131950.
Autosomal recessive limb-girdle muscular dystrophy type 2Q (LGMDR17). Also called: MUSCULAR DYSTROPHY, LIMB-GIRDLE, AUTOSOMAL RECESSIVE 17. Identifiers: Orphanet 254361, MedGen C3150989, MONDO:0013390, OMIM 613723.
Epidermolysis bullosa simplex 5B, with muscular dystrophy (EBS5B). Also called: Epidermolysis bullosa simplex with muscular dystrophy; EPIDERMOLYSIS BULLOSA SIMPLEX AND LIMB-GIRDLE MUSCULAR DYSTROPHY. Identifiers: Orphanet 257, MedGen C2931072, MONDO:0009181, OMIM 226670.
Epidermolysis bullosa simplex 5C, with pyloric atresia (EBS5C). Also called: PLEC-Related Epidermolysis Bullosa with Pyloric Atresia; Epidermolysis bullosa simplex with pyloric atresia; PLEC1-Related Epidermolysis Bullosa with Pyloric Atresia. Identifiers: Orphanet 158684, MedGen C2677349, MONDO:0012807, OMIM 612138.

Allele frequency attached by ClinVar (database versions not stated): gnomAD 0.00002.
gnomAD v4.1: 4 of 1,510,994 alleles (0.00026%); highest among the groups gnomAD compares: East Asian, 0.0056%; no homozygotes.

Submission:

Labcorp Genetics (formerly Invitae), Labcorp
Classification: Uncertain significance for Autosomal recessive limb-girdle muscular dystrophy type 2Q; Epidermolysis bullosa simplex, Ogna type; Epidermolysis bullosa simplex with nail dystrophy; Epidermolysis bullosa simplex 5C, with pyloric atresia; Epidermolysis bullosa simplex 5B, with muscular dystrophy. Last evaluated: 2023-04-19. Review status: criteria provided, single submitter. Criteria: Invitae Variant Classification Sherloc (09022015). Collection method: clinical testing. Allele origin: germline.
Comment: The PLEC gene has multiple clinically relevant transcripts. This variant occurs in alternate transcript NM_201378.3, and corresponds to NM_000445.4:c.193+1709C>T in the primary transcript. This sequence change replaces alanine, which is neutral and non-polar, with valine, which is neutral and non-polar, at codon 2 of the PLEC protein (p.Ala2Val). This variant is not present in population databases (gnomAD no frequency). This variant has not been reported in the literature in individuals affected with PLEC-related conditions. Experimental studies and prediction algorithms are not available or were not evaluated, and the functional significance of this variant is currently unknown. In summary, the available evidence is currently insufficient to determine the role of this variant in disease. Therefore, it has been classified as a Variant of Uncertain Significance.

NM_201378.4(PLEC):c.5C>T (p.Ala2Val)

Gene: PLEC (plectin; minus strand). Cytogenetic location: 8q24.3.
Variant type: single nucleotide variant.
Coding change: c.5C>T on transcript NM_201378.4 (MANE Plus Clinical); coding-DNA position 5, C replaced by T.
Protein change: p.Ala2Val; replaces alanine 2 with valine.
Molecular consequence: missense variant. On other transcripts: intron variant (2).
Genome position (GRCh38, 1-based): chr8:143,973,468, G>A on the plus strand (C>T on the coding strand, the complement: PLEC is on the minus strand). VCF-style: chr8-143973468-G-A. GRCh37 (hg19) VCF-style: chr8-145047636-G-A.
Other names: c.193+1709C>T (NM_001410941.1, NM_000445.5); short protein forms A2V.
Identifiers: ClinVar variation 2951486 (VCV002951486.3), dbSNP rs1199632387, ClinGen allele CA372488669.